The following is an entry in ClinVar:

NM_032043.3(BRIP1):c.-4C>G

Gene: BRIP1 (BRCA1 interacting DNA helicase 1; minus strand). Cytogenetic location: 17q23.2.
Variant type: single nucleotide variant.
Coding change: c.-4C>G on transcript NM_032043.3 (MANE Select); 4 bases upstream of the start codon, C replaced by G.
Molecular consequence: 5 prime UTR variant.
Genome position (GRCh38, 1-based): chr17:61,861,543, G>C on the plus strand (C>G on the coding strand, the complement: BRIP1 is on the minus strand). VCF-style: chr17-61861543-G-C. GRCh37 (hg19) VCF-style: chr17-59938904-G-C.
Identifiers: ClinVar variation 3228140 (VCV003228140.1), dbSNP rs2145866620, ClinGen allele CA2733908100.
Genomic context (GRCh38, chr17:61,861,543, plus strand): 5'-ATAAGGAAAGTAAATCTTCACCCCACCAATTGTATATTCAGACCACATTGAAGACATAGT[G>C]CTTTCCTGTTTATTTCAGATTCCTAACTACAACAGAAATGAAAATGTCAAATATTGAGAC-3'

ClinVar aggregate classification (germline): Uncertain significance (1 of 4 stars; one submission).

Conditions:
Hereditary cancer-predisposing syndrome. Also called: Neoplastic Syndromes, Hereditary; Tumor predisposition; Hereditary neoplastic syndrome; Hereditary Cancer Syndrome. Identifiers: Orphanet 140162, MedGen C0027672, MeSH D009386, MONDO:0015356.

Submission:

Ambry Genetics
Classification: Uncertain significance for Hereditary cancer-predisposing syndrome. Last evaluated: 2024-02-29. Review status: criteria provided, single submitter. Criteria: Ambry Variant Classification Scheme 2023. Collection method: clinical testing. Allele origin: germline.
Comment: The c.-4C>G variant is located in the 5' untranslated region (5&rsquo; UTR) of the BRIP1 gene. This variant results from a C to G substitution 4 bases upstream from the first translated codon. This nucleotide position is well conserved in available vertebrate species. Based on the available evidence, the clinical significance of this alteration remains unclear.